The following is an entry in ClinVar:

NM_002878.4(RAD51D):c.736G>A (p.Val246Met)

Genes: RAD51D (RAD51 paralog D; minus strand), RAD51L3-RFFL (RAD51L3-RFFL readthrough; minus strand). Cytogenetic location: 17q12.
Variant type: single nucleotide variant.
Coding change: c.736G>A on transcript NM_002878.4 (MANE Select); coding-DNA position 736, G replaced by A.
Protein change: p.Val246Met; replaces valine 246 with methionine.
Molecular consequence: missense variant. On other transcripts: non-coding transcript variant (3).
Genome position (GRCh38, 1-based): chr17:35,103,256, C>T on the plus strand (G>A on the coding strand, the complement: RAD51D is on the minus strand). VCF-style: chr17-35103256-C-T. GRCh37 (hg19) VCF-style: chr17-33430275-C-T.
Other names: c.796G>A, p.Val266Met (NM_001142571.2); c.400G>A, p.Val134Met (NM_133629.3); short protein forms V134M, V246M, V266M.
Identifiers: ClinVar variation 826995 (VCV000826995.12), dbSNP rs1597858213, ClinGen allele CA399087482.

ClinVar aggregate classification (germline): Uncertain significance. Review status: criteria provided, multiple submitters, no conflicts (2 of 4 stars). 4 submissions from 4 submitters: Uncertain significance (4). Last evaluated 2025-06-24.

Conditions:
Hereditary cancer-predisposing syndrome. Also called: Neoplastic Syndromes, Hereditary; Tumor predisposition; Hereditary neoplastic syndrome; Hereditary Cancer Syndrome. Identifiers: Orphanet 140162, MedGen C0027672, MeSH D009386, MONDO:0015356.
Breast-ovarian cancer, familial, susceptibility to, 4. Identifiers: Orphanet 145, MedGen C3280345, MONDO:0013669, OMIM 614291.

gnomAD v4.1: 1 of 1,608,774 alleles (0.000062%); no homozygotes.

Submissions (4):

Labcorp Genetics (formerly Invitae), Labcorp
Classification: Uncertain significance for Breast-ovarian cancer, familial, susceptibility to, 4. Last evaluated: 2025-06-24. Review status: criteria provided, single submitter. Criteria: Invitae Variant Classification Sherloc (09022015). Collection method: clinical testing. Allele origin: germline.
Comment: This sequence change replaces valine, which is neutral and non-polar, with methionine, which is neutral and non-polar, at codon 246 of the RAD51D protein (p.Val246Met). This variant is not present in population databases (gnomAD no frequency). This variant has not been reported in the literature in individuals affected with RAD51D-related conditions. ClinVar contains an entry for this variant (Variation ID: 826995). An algorithm developed to predict the effect of missense changes on protein structure and function (PolyPhen-2) suggests that this variant is likely to be tolerated. In summary, the available evidence is currently insufficient to determine the role of this variant in disease. Therefore, it has been classified as a Variant of Uncertain Significance.

Ambry Genetics
Classification: Uncertain significance for Hereditary cancer-predisposing syndrome. Last evaluated: 2023-12-14. Review status: criteria provided, single submitter. Criteria: Ambry Variant Classification Scheme 2023. Collection method: clinical testing. Allele origin: germline.
Comment: The p.V246M variant (also known as c.736G>A), located in coding exon 8 of the RAD51D gene, results from a G to A substitution at nucleotide position 736. The valine at codon 246 is replaced by methionine, an amino acid with highly similar properties. This amino acid position is not well conserved in available vertebrate species. In addition, the in silico prediction for this alteration is inconclusive. Since supporting evidence is limited at this time, the clinical significance of this alteration remains unclear.

Mendelics
Classification: Uncertain significance. Last evaluated: 2022-05-04. Review status: criteria provided, single submitter. Criteria: Mendelics Assertion Criteria 2019. Collection method: clinical testing. Allele origin: germline.

Color Diagnostics, LLC DBA Color Health
Classification: Uncertain significance for Hereditary cancer-predisposing syndrome. Last evaluated: 2019-01-08. Review status: criteria provided, single submitter. Criteria: ACMG Guidelines, 2015. Collection method: clinical testing. Allele origin: germline.